The following is an entry in ClinVar:

ClinVar aggregate classification (germline): Conflicting classifications of pathogenicity. Review status: criteria provided, conflicting classifications (1 of 4 stars). 14 submissions from 12 submitters: Uncertain significance (11); Likely benign (3). Last evaluated 2026-06-01.

Conditions:
SOS1-related disorder. Also called: SOS1-related condition.
Cardiovascular phenotype. Identifiers: MedGen CN230736.
Fibromatosis, gingival, 1 (GINGF1). Identifiers: Orphanet 2024, MedGen C4551558, MONDO:0007609, OMIM 135300.
Noonan syndrome 4 (NS4). Also called: SOS1-Related Noonan Syndrome; NOONAN SYNDROME WITH PIGMENTED VILLONODULAR SYNOVITIS. Identifiers: Orphanet 648, MedGen C1853120, MONDO:0012547, OMIM 610733.
Brugada syndrome. Also called: Sudden unexplained nocturnal death syndrome; Sudden Unexplained Death Syndrome; Sudden Unexplained Nocturnal Death Syndrome (SUNDS); Sudden unexpected nocturnal death syndrome. Identifiers: Orphanet 130, MedGen C1142166, MONDO:0015263.
RASopathy. Also called: rasopathies; Noonan spectrum disorder. Identifiers: Orphanet 536391, MedGen C5555857, MONDO:0021060.

Allele frequency attached by ClinVar (database versions not stated): ExAC 0.00003; gnomAD 0.00003 and 0.00004; gnomAD exomes 0.00004 and 0.00005; TOPMed 0.00006.

Submissions (14):

CeGaT Center for Human Genetics Tuebingen
Classification: Likely benign. Last evaluated: 2026-06-01. Review status: criteria provided, single submitter. Criteria: CeGaT Center For Human Genetics Tuebingen Variant Classification Criteria Version 2. Collection method: clinical testing. Allele origin: germline. Affected: yes. Observed: 3 variant alleles.
Comment: SOS1: BP4, BS1

Labcorp Genetics (formerly Invitae), Labcorp
Classification: Likely benign for RASopathy. Last evaluated: 2026-01-20. Review status: criteria provided, single submitter. Criteria: Invitae Variant Classification Sherloc (09022015). Collection method: clinical testing. Allele origin: germline.

PreventionGenetics, part of Exact Sciences
Classification: Uncertain significance for SOS1-related condition. Last evaluated: 2025-03-31. Review status: criteria provided, single submitter. Criteria: ACMG Guidelines, 2015. Collection method: clinical testing. Allele origin: germline.
Comment: The SOS1 c.1720G>A variant is predicted to result in the amino acid substitution p.Val574Ile. This variant has been reported in a prenatal specimen with increased nuchal translucency and in a postnatal patient tested for Noonan syndrome, but no additional studies were performed to help assess the pathogenicity of this variant (Table S2, S3, Leach et al. 2018. PubMed ID: 30050098). This variant is reported in 0.0079% of alleles in individuals of European (Non-Finnish) descent in gnomAD. At this time, the clinical significance of this variant is uncertain due to the absence of conclusive functional and genetic evidence.

Revvity Omics, Revvity
Classification: Uncertain significance. Last evaluated: 2025-03-20. Review status: criteria provided, single submitter. Criteria: ACMG Guidelines, 2015. Collection method: clinical testing. Allele origin: germline.

Ambry Genetics
Classification: Likely benign for Cardiovascular phenotype. Last evaluated: 2024-03-29. Review status: criteria provided, single submitter. Criteria: Ambry Variant Classification Scheme 2023. Collection method: clinical testing. Allele origin: germline.

Petrovsky National Research Centre of Surgery, The Federal Agency for Scientific Organizations
Classification: Uncertain significance for Brugada syndrome. Last evaluated: 2023-08-29. Review status: criteria provided, single submitter. Criteria: ACMG Guidelines, 2015. Collection method: clinical testing. Allele origin: germline. Affected: yes.
Comment: This variant is in The Genome Aggregation Database (gnomAD) v2.1.1 with total MAF 0.00003985 (Date of access 29-08-2023). Clinvar contains entry for this variant (Variation ID: 179117). This variant has been reported on WES data in 1 patient with limb girdle muscular dystrophy (PMID: 29970176) and in prenatal cohort for genetic testing for Noonan syndrome (PMID: 29907801). Most in silico predictors show benign result of the protein change. In accordance with ACMG(2015) criteria this variant is classified as Variant of Uncertain Significance (VUS) wtih following criteria selected: BP4.

Fulgent Genetics
Classification: Uncertain significance for Fibromatosis, gingival, 1; Noonan syndrome 4. Last evaluated: 2018-10-31. Review status: criteria provided, single submitter. Criteria: ACMG Guidelines, 2015. Collection method: clinical testing. Allele origin: unknown.

Illumina Laboratory Services, Illumina
Classification: Uncertain significance for Fibromatosis, gingival, 1. Last evaluated: 2018-01-13. Review status: criteria provided, single submitter. Criteria: ICSL Variant Classification Criteria 13 December 2019. Collection method: clinical testing. Allele origin: germline.

Illumina Laboratory Services, Illumina
Classification: Uncertain significance for Noonan syndrome 4. Last evaluated: 2018-01-13. Review status: criteria provided, single submitter. Criteria: ICSL Variant Classification Criteria 13 December 2019. Collection method: clinical testing. Allele origin: germline.

GeneDx
Classification: Uncertain significance. Last evaluated: 2016-12-21. Review status: criteria provided, single submitter. Criteria: GeneDx Variant Classification (06012015). Collection method: clinical testing. Allele origin: germline. Affected: yes.
Comment: The V574I variant has not been published as a pathogenic or as a benign variant to our knowledge. The V574I variant was not observed in approximately 6,500 individuals of European and African American ancestry in the NHLBI Exome Sequencing Project, indicating it is not a common benign variant in these populations. This substitution occurs at a position that is conserved in mammals. However, the V574I variant is a conservative amino acid substitution, which is not likely to impact secondary protein structure as these residues share similar properties. In silico analysis is inconsistent in its predictions as to whether or not the variant is damaging to the protein structure/function. Furthermore, no missense pathogenic variants in nearby residues have been reported in the Human Gene Mutation Database in association with Noonan syndrome (Stenson et al., 2014).Therefore, based on the currently available information, it is unclear whether this variant is pathogenic or a rare benign variant.

Women's Health and Genetics/Laboratory Corporation of America, LabCorp
Classification: Uncertain significance. Last evaluated: 2016-11-21. Review status: criteria provided, single submitter. Criteria: LabCorp Variant Classification Summary - May 2015. Collection method: clinical testing. Allele origin: germline.
Comment: Variant summary: The SOS1 c.1720G>A (p.Val574Ile) variant causes a missense change involving the alteration of a conserved nucleotide, which 4/5 in silico tools predict a benign outcome, although these predictions have yet to be functionally assessed. The variant of interest was observed in the large, broad control population, ExAC, with an allele frequency of 4/121360 (1/30339), predominantly in the European (Non-Finnish) cohort, 4/66722 (1/16680), which exceeds the estimated maximal expected allele frequency for a pathogenic SOS1 variant of 1/33333, therefore, suggesting this variant is likely a benign polymorphism found primarily in population(s) of European (Non-Finnish) origin. However, this observation does not need to be cautiously considered since the cohort does harbor individuals that could have a SOS1 phenotype. A clinical diagnostic laboratory cites the variant as "uncertain significance." However, the variant has not been reported, to our knowledge, in affected individuals via publications. Therefore, until additional information becomes available (ie, clinical and functional studies), the variant of interest has been classified as a "Variant of Uncertain Significance - Possibly Benign."

Laboratory for Molecular Medicine, Mass General Brigham Personalized Medicine
Classification: Uncertain significance. Last evaluated: 2013-06-24. Review status: criteria provided, single submitter. Criteria: LMM Criteria. Collection method: clinical testing. Allele origin: germline. Observed: 1 variant allele.
Comment: Variant classified as Uncertain Significance - Favor Benign. The Val574Ile varia nt in SOS1 has not been previously identified by our laboratory, nor has it been reported in the literature. In addition, this variant is absent in large popula tion studies. Computational analyses (biochemical amino acid properties, conserv ation, AlignGVGD, PolyPhen2, and SIFT) suggest that the variant may not impact t he protein, though this information is not predictive enough to rule out pathoge nicity. In summary, additional information is needed to fully assess the clinica l significance of the Val574Ile variant.

Genome-Nilou Lab
Classification: Uncertain significance for Noonan syndrome 4. Review status: criteria provided, single submitter. Criteria: ACMG Guidelines, 2015. Collection method: clinical testing. Allele origin: germline.

Genome-Nilou Lab
Classification: Uncertain significance for Fibromatosis, gingival, 1. Review status: criteria provided, single submitter. Criteria: ACMG Guidelines, 2015. Collection method: clinical testing. Allele origin: germline.

Literature cited by the submitters: PubMed 29907801 (cited by Ambry Genetics and Petrovsky National Research Centre of Surgery, The Federal Agency for Scientific Organizations); PubMed 29970176 (cited by Ambry Genetics and Petrovsky National Research Centre of Surgery, The Federal Agency for Scientific Organizations).

NM_005633.4(SOS1):c.1720G>A (p.Val574Ile)

Gene: SOS1 (SOS Ras/Rac guanine nucleotide exchange factor 1; minus strand). Cytogenetic location: 2p22.1.
Variant type: single nucleotide variant.
Coding change: c.1720G>A on transcript NM_005633.4 (MANE Select); coding-DNA position 1720, G replaced by A.
Protein change: p.Val574Ile; replaces valine 574 with isoleucine.
Molecular consequence: missense variant.
Genome position (GRCh38, 1-based): chr2:39,022,708, C>T on the plus strand (G>A on the coding strand, the complement: SOS1 is on the minus strand). VCF-style: chr2-39022708-C-T. GRCh37 (hg19) VCF-style: chr2-39249849-C-T.
Other names: c.1699G>A, p.Val567Ile (NM_001382394.1); c.1720G>A, p.Val574Ile (NM_001382395.1); short protein forms V574I, V567I.
Identifiers: ClinVar variation 179117 (VCV000179117.30), dbSNP rs727504641, ClinGen allele CA183765.